The following is an entry in ClinVar:

ClinVar aggregate classification (germline): Likely benign. Review status: criteria provided, multiple submitters, no conflicts (2 of 4 stars). 2 submissions from 2 submitters: Likely benign (2). Last evaluated 2024-10-30.

Conditions:
KBG syndrome (KBGS). Also called: ANKRD11-Related KBG Syndrome. Identifiers: Orphanet 2332, MedGen C0220687, MONDO:0007846, OMIM 148050.

Allele frequency attached by ClinVar (database versions not stated): TOPMed 0.00002; gnomAD 0.00005; gnomAD exomes 0.00005; ExAC 0.00009.
gnomAD v4.1: 83 of 1,612,808 alleles (0.0051%); highest among the groups gnomAD compares: South Asian, 0.071%; 1 homozygote.

Submissions (2):

Labcorp Genetics (formerly Invitae), Labcorp
Classification: Likely benign for KBG syndrome. Last evaluated: 2024-10-30. Review status: criteria provided, single submitter. Criteria: Invitae Variant Classification Sherloc (09022015). Collection method: clinical testing. Allele origin: germline.

CeGaT Center for Human Genetics Tuebingen
Classification: Likely benign. Last evaluated: 2022-10-01. Review status: criteria provided, single submitter. Criteria: CeGaT Center For Human Genetics Tuebingen Variant Classification Criteria Version 2. Collection method: clinical testing. Allele origin: germline. Affected: yes. Observed: 1 variant allele.
Comment: ANKRD11: BP4, BP7

NM_013275.6(ANKRD11):c.6510C>T (p.Ala2170=)

Gene: ANKRD11 (ankyrin repeat domain 11; minus strand). Cytogenetic location: 16q24.3.
Variant type: single nucleotide variant.
Coding change: c.6510C>T on transcript NM_013275.6 (MANE Select); coding-DNA position 6510, C replaced by T.
Protein change: p.Ala2170=; no amino-acid change (alanine 2170 retained).
Molecular consequence: synonymous variant.
Genome position (GRCh38, 1-based): chr16:89,280,032, G>A on the plus strand (C>T on the coding strand, the complement: ANKRD11 is on the minus strand). VCF-style: chr16-89280032-G-A. GRCh37 (hg19) VCF-style: chr16-89346440-G-A.
Other names: c.6510C>T, p.Ala2170= (NM_001256182.2, NM_001256183.2).
Identifiers: ClinVar variation 2647060 (VCV002647060.27), dbSNP rs750764062, ClinGen allele CA8241417.